The following is an entry in ClinVar:

NM_001184900.3(CARD8):c.1303+2T>G

Gene: CARD8 (caspase recruitment domain family member 8; minus strand). Cytogenetic location: 19q13.33.
Variant type: single nucleotide variant.
Coding change: c.1303+2T>G on transcript NM_001184900.3 (MANE Select); the canonical splice donor site of the intron after coding-DNA position 1303, T replaced by G.
Molecular consequence: splice donor variant. On other transcripts: intron variant (7).
Genome position (GRCh38, 1-based): chr19:48,218,869, A>C on the plus strand (T>G on the coding strand, the complement: CARD8 is on the minus strand). VCF-style: chr19-48218869-A-C. GRCh37 (hg19) VCF-style: chr19-48722126-A-C.
Other names: c.988+2T>G (NM_001351787.2, NM_001351784.2); c.846+2861T>G (NM_001351791.2, NM_001351792.2); c.1011+2861T>G (NM_001351788.2, NM_001351789.2); c.967+2T>G (NM_001351786.2); c.1153+2T>G (NM_014959.5, NM_001351783.2, NM_001184901.1); c.918+2861T>G (NM_001351790.2); c.1161+2861T>G (NM_001184902.2, NM_001184903.1); c.1303+2T>G (NM_001351782.2); and 1 more.
Identifiers: ClinVar variation 1439990 (VCV001439990.6), dbSNP rs2039924056, ClinGen allele CA406664487.

ClinVar aggregate classification (germline): Uncertain significance (1 of 4 stars; one submission).

Submission:

Labcorp Genetics (formerly Invitae), Labcorp
Classification: Uncertain significance. Last evaluated: 2021-09-26. Review status: criteria provided, single submitter. Criteria: Invitae Variant Classification Sherloc (09022015). Collection method: clinical testing. Allele origin: germline.
Comment: In summary, the available evidence is currently insufficient to determine the role of this variant in disease. Therefore, it has been classified as a Variant of Uncertain Significance. Algorithms developed to predict the effect of sequence changes on RNA splicing suggest that this variant may disrupt the consensus splice site. This variant has not been reported in the literature in individuals affected with CARD8-related conditions. This variant is not present in population databases (ExAC no frequency). This sequence change affects a donor splice site in intron 10 of the CARD8 gene. It is expected to disrupt RNA splicing. Variants that disrupt the donor or acceptor splice site typically lead to a loss of protein function (PMID: 16199547), however the current clinical and genetic evidence is not sufficient to establish whether loss-of-function variants in CARD8 cause disease.

Literature cited by the submitters: PubMed 16199547.